The following is an entry in ClinVar:

ClinVar aggregate classification (germline): Uncertain significance. Review status: criteria provided, multiple submitters, no conflicts (2 of 4 stars). 2 submissions from 2 submitters: Uncertain significance (2). Last evaluated 2026-04-23.

Conditions:
Familial thoracic aortic aneurysm and aortic dissection (TAAD). Also called: Thoracic aortic aneurysms and dissections. Identifiers: Orphanet 91387, MedGen C4707243, MONDO:0019625.
Congenital contractural arachnodactyly (CCA). Also called: Beals-Hecht syndrome; BEALS SYNDROME; Arthrogryposis, distal, type 9. Identifiers: Orphanet 115, MedGen C0220668, MONDO:0007363, OMIM 121050.

gnomAD v4.1: 2 of 1,614,044 alleles (0.00012%); highest among the groups gnomAD compares: Non-Finnish European, 0.00017%; no homozygotes.

Submissions (2):

Ambry Genetics
Classification: Uncertain significance for Familial thoracic aortic aneurysm and aortic dissection. Last evaluated: 2026-04-23. Review status: criteria provided, single submitter. Criteria: Ambry Variant Classification Scheme 2023. Collection method: clinical testing. Allele origin: germline.
Comment: The p.D2841E variant (also known as c.8523T>A), located in coding exon 65 of the FBN2 gene, results from a T to A substitution at nucleotide position 8523. The aspartic acid at codon 2841 is replaced by glutamic acid, an amino acid with highly similar properties. This amino acid position is conserved. In addition, this alteration is predicted to be tolerated by in silico analysis. Based on the available evidence, the clinical significance of this variant remains unclear.

Labcorp Genetics (formerly Invitae), Labcorp
Classification: Uncertain significance for Congenital contractural arachnodactyly. Last evaluated: 2024-09-30. Review status: criteria provided, single submitter. Criteria: Invitae Variant Classification Sherloc (09022015). Collection method: clinical testing. Allele origin: germline.
Comment: This sequence change replaces aspartic acid, which is acidic and polar, with glutamic acid, which is acidic and polar, at codon 2841 of the FBN2 protein (p.Asp2841Glu). This variant is not present in population databases (gnomAD no frequency). This variant has not been reported in the literature in individuals affected with FBN2-related conditions. Invitae Evidence Modeling of protein sequence and biophysical properties (such as structural, functional, and spatial information, amino acid conservation, physicochemical variation, residue mobility, and thermodynamic stability) indicates that this missense variant is not expected to disrupt FBN2 protein function with a negative predictive value of 80%. In summary, the available evidence is currently insufficient to determine the role of this variant in disease. Therefore, it has been classified as a Variant of Uncertain Significance.

NM_001999.4(FBN2):c.8523T>A (p.Asp2841Glu)

Gene: FBN2 (fibrillin 2; minus strand). Cytogenetic location: 5q23.3.
Variant type: single nucleotide variant.
Coding change: c.8523T>A on transcript NM_001999.4 (MANE Select); coding-DNA position 8523, T replaced by A.
Protein change: p.Asp2841Glu; replaces aspartic acid 2841 with glutamic acid.
Molecular consequence: missense variant.
Genome position (GRCh38, 1-based): chr5:128,259,671, A>T on the plus strand (T>A on the coding strand, the complement: FBN2 is on the minus strand). VCF-style: chr5-128259671-A-T. GRCh37 (hg19) VCF-style: chr5-127595363-A-T.
Other names: c.8523T>A (NM_001999.3); short protein forms D2841E.
Identifiers: ClinVar variation 3625122 (VCV003625122.3).
Genomic context (GRCh38, chr5:128,259,671, plus strand): 5'-CTTCTTGGCCGTGTGCAAGTAGCTGAGCCCATTCCTTTGGTGGATGCGGAAGACGCTGTC[A>T]TCGTTCCCTTGAGAGATGACATAACGGATGTGGTTGTTGAGGGGCTGGATGGCGGGCCTT-3'
Protein context (NP_001990.2, residues 2831-2851): HIRYVISQGN[Asp2841Glu]DSVFRIHQRN